The following is an entry in ClinVar:

ClinVar aggregate classification (germline): Likely pathogenic. Review status: criteria provided, multiple submitters, no conflicts (2 of 4 stars). 2 submissions from 2 submitters: Likely pathogenic (2). Last evaluated 2025-07-14.

Conditions:
Osteogenesis imperfecta with normal sclerae, dominant form (OI4). Also called: OSTEOGENESIS IMPERFECTA, TYPE IV, WITH DENTINOGENESIS IMPERFECTA; Common Variable Osteogenesis Imperfecta with Normal Sclerae; Osteogenesis imperfecta type 4; OSTEOGENESIS IMPERFECTA WITH NORMAL SCLERAE; Osteogenesis Imperfecta Type IV. Identifiers: Orphanet 216820, Orphanet 666, MedGen C0268363, MONDO:0008148, OMIM 166220.

Submissions (2):

GeneDx
Classification: Likely pathogenic. Last evaluated: 2025-07-14. Review status: criteria provided, single submitter. Criteria: GeneDx Variant Classification Process June 2021. Collection method: clinical testing. Allele origin: germline. Affected: yes.
Comment: Occurs in the triple helical domain and replaces a glycine in a canonical Gly-X-Y repeat; missense substitution of a canonical glycine residue is expected to disrupt normal protein folding and function, and this is an established mechanism of disease (PMID: 34007986); Not observed at significant frequency in large population cohorts (gnomAD); In silico analysis supports that this missense variant has a deleterious effect on protein structure/function; Maternally inherited in a fetus with bilateral talipes equinovarus, abnormal aspect of tibia and fibula on ultrasound (PMID: 37035737); This variant is associated with the following publications: (PMID: 34007986, 37035737)

Equipe Genetique des Anomalies du Developpement, Université de Bourgogne
Classification: Likely pathogenic for Osteogenesis imperfecta with normal sclerae, dominant form. Last evaluated: 2021-08-18. Review status: criteria provided, single submitter. Criteria: ACMG Guidelines, 2015. Collection method: clinical testing. Allele origin: maternal. Affected: yes.

Literature cited by the submitters: PubMed 20301472 (cited by Equipe Genetique des Anomalies du Developpement, Université de Bourgogne).

NM_000089.4(COL1A2):c.2621G>C (p.Gly874Ala)

Gene: COL1A2 (collagen type I alpha 2 chain; plus strand). Cytogenetic location: 7q21.3.
Variant type: single nucleotide variant.
Coding change: c.2621G>C on transcript NM_000089.4 (MANE Select); coding-DNA position 2621, G replaced by C.
Protein change: p.Gly874Ala; replaces glycine 874 with alanine.
Molecular consequence: missense variant.
Genome position (GRCh38, 1-based): chr7:94,424,391, G>C. VCF-style: chr7-94424391-G-C. GRCh37 (hg19) VCF-style: chr7-94053703-G-C.
Other names: c.2621G>C (NM_000089.3, LRG_2t1); short protein forms G874A.
Identifiers: ClinVar variation 1302007 (VCV001302007.3), dbSNP rs2115946490, ClinGen allele CA368224285.